The following is an entry in ClinVar:

ClinVar aggregate classification (germline): Likely benign. Review status: criteria provided, multiple submitters, no conflicts (2 of 4 stars). 2 submissions from 2 submitters: Likely benign (2). Last evaluated 2025-01-14.

Conditions:
Charcot-Marie-Tooth disease dominant intermediate F. Identifiers: Orphanet 352670, MedGen C4749463, MONDO:0014074, OMIM 615185.

gnomAD v4.1: 16 of 1,612,540 alleles (0.00099%); highest among the groups gnomAD compares: African/African-American, 0.021%; no homozygotes.

Submissions (2):

Women's Health and Genetics/Laboratory Corporation of America, LabCorp
Classification: Likely benign. Last evaluated: 2025-01-14. Review status: criteria provided, single submitter. Criteria: LabCorp Variant Classification Summary - May 2015. Collection method: clinical testing. Allele origin: germline.
Comment: Variant summary: GNB4 c.431-8T>C alters a non-conserved nucleotide located close to a canonical splice site and therefore could affect mRNA splicing, leading to a significantly altered protein sequence. Consensus agreement among computation tools predict no significant impact on normal splicing. However, these predictions have yet to be confirmed by functional studies. The variant allele was found at a frequency of 1e-05 in 1605548 control chromosomes, predominantly at a frequency of 0.00021 within the African or African-American subpopulation in the gnomAD database. The observed variant frequency within African or African-American control individuals in the gnomAD database is approximately 300-fold of the estimated maximal expected allele frequency for a pathogenic variant in GNB4 causing Charcot-Marie-Tooth disease dominant intermediate F phenotype (6.3e-07). To our knowledge, no occurrence of c.431-8T>C in individuals affected with Charcot-Marie-Tooth disease dominant intermediate F and no experimental evidence demonstrating its impact on protein function have been reported. No submitters have cited clinical-significance assessments for this variant to ClinVar. Based on the evidence outlined above, the variant was classified as likely benign.

Labcorp Genetics (formerly Invitae), Labcorp
Classification: Likely benign for Charcot-Marie-Tooth disease dominant intermediate F. Last evaluated: 2024-02-16. Review status: criteria provided, single submitter. Criteria: Invitae Variant Classification Sherloc (09022015). Collection method: clinical testing. Allele origin: germline.

NM_021629.4(GNB4):c.431-8T>C

Gene: GNB4 (G protein subunit beta 4; minus strand). Cytogenetic location: 3q26.33.
Variant type: single nucleotide variant.
Coding change: c.431-8T>C on transcript NM_021629.4 (MANE Select); 8 bases into the intron before coding-DNA position 431, T replaced by C.
Molecular consequence: intron variant.
Genome position (GRCh38, 1-based): chr3:179,413,789, A>G on the plus strand (T>C on the coding strand, the complement: GNB4 is on the minus strand). VCF-style: chr3-179413789-A-G. GRCh37 (hg19) VCF-style: chr3-179131577-A-G.
Identifiers: ClinVar variation 3702440 (VCV003702440.4).